The following is an entry in ClinVar:

ClinVar aggregate classification (germline): Uncertain significance (0 of 4 stars; one submission).

Conditions:
ASXL3-related disorder. Also called: ASXL3-related condition. Identifiers: MedGen CN381524.

Submission:

PreventionGenetics, part of Exact Sciences
Classification: Uncertain significance for ASXL3-related condition. Last evaluated: 2024-04-04. Review status: no assertion criteria provided. Collection method: clinical testing. Allele origin: germline.
Comment: The ASXL3 c.6221G>C variant is predicted to result in the amino acid substitution p.Gly2074Ala. To our knowledge, this variant has not been reported in the literature or in a large population database, indicating this variant is rare. At this time, the clinical significance of this variant is uncertain due to the absence of conclusive functional and genetic evidence.

NM_030632.3(ASXL3):c.6221G>C (p.Gly2074Ala)

Gene: ASXL3 (ASXL transcriptional regulator 3; plus strand). Cytogenetic location: 18q12.1.
Variant type: single nucleotide variant.
Coding change: c.6221G>C on transcript NM_030632.3 (MANE Select); coding-DNA position 6221, G replaced by C.
Protein change: p.Gly2074Ala; replaces glycine 2074 with alanine.
Molecular consequence: missense variant.
Genome position (GRCh38, 1-based): chr18:33,746,069, G>C. VCF-style: chr18-33746069-G-C. GRCh37 (hg19) VCF-style: chr18-31326033-G-C.
Other names: short protein forms G2074A.
Identifiers: ClinVar variation 3350097 (VCV003350097.1).